The following is an entry in ClinVar:

ClinVar aggregate classification (germline): Benign. Review status: criteria provided, multiple submitters, no conflicts (2 of 4 stars). 3 submissions from 3 submitters: Benign (2). 1 of the submissions does not count toward it. Last evaluated 2022-01-27.

Conditions:
AGO2-related disorder. Also called: AGO2-related condition.

Allele frequency attached by ClinVar (database versions not stated): gnomAD exomes 0.39056 and 0.42686; ESP Exome Variant Server 0.39734; gnomAD 0.40619 and 0.41159; TOPMed 0.42041; ExAC 0.42305; 1000 Genomes Project 30x 0.47080; 1000 Genomes Project 0.47244.
gnomAD v4.1: 633,267 of 1,611,508 alleles (39%); highest among the groups gnomAD compares: East Asian, 56%; 126,762 homozygotes.

Submissions (3):

GeneDx
Classification: Benign. Last evaluated: 2022-01-27. Review status: criteria provided, single submitter. Criteria: GeneDx Variant Classification Process June 2021. Collection method: clinical testing. Allele origin: germline. Affected: yes.

Breakthrough Genomics
Classification: Benign. Review status: criteria provided, single submitter. Criteria: ACMG Guidelines, 2015. Collection method: not provided. Allele origin: germline. Inheritance: Autosomal dominant inheritance. Affected: yes.

PreventionGenetics, part of Exact Sciences
Classification: Benign for AGO2-related condition. Last evaluated: 2023-06-30. Review status: no assertion criteria provided. Collection method: clinical testing. Allele origin: germline. Not counted in ClinVar's aggregate classification.
Comment: This variant is classified as benign based on ACMG/AMP sequence variant interpretation guidelines (Richards et al. 2015 PMID: 25741868, with internal and published modifications).

NM_012154.5(AGO2):c.1443C>T (p.Ala481=)

Gene: AGO2 (argonaute RISC catalytic component 2; minus strand). Cytogenetic location: 8q24.3.
Variant type: single nucleotide variant.
Coding change: c.1443C>T on transcript NM_012154.5 (MANE Select); coding-DNA position 1443, C replaced by T.
Protein change: p.Ala481=; no amino-acid change (alanine 481 retained).
Molecular consequence: synonymous variant.
Genome position (GRCh38, 1-based): chr8:140,549,259, G>A on the plus strand (C>T on the coding strand, the complement: AGO2 is on the minus strand). VCF-style: chr8-140549259-G-A. GRCh37 (hg19) VCF-style: chr8-141559358-G-A.
Other names: c.1443C>T, p.Ala481= (NM_001164623.3).
Identifiers: ClinVar variation 1338874 (VCV001338874.5), dbSNP rs2292781, ClinGen allele CA4894398.